The following is an entry in ClinVar:

ClinVar aggregate classification (germline): Benign/Likely benign. Review status: criteria provided, multiple submitters, no conflicts (2 of 4 stars). 4 submissions from 4 submitters: Benign (1); Likely benign (3). Last evaluated 2025-07-08.

Conditions:
CSF1R-related disorder. Also called: CSF1R-related condition. Identifiers: MedGen CN379780, MONDO:0100632.

Allele frequency attached by ClinVar (database versions not stated): gnomAD 0.00006 and 0.00007; TOPMed 0.00006; gnomAD exomes 0.00015; 1000 Genomes Project 30x 0.00016; ExAC 0.00016; 1000 Genomes Project 0.00020.
gnomAD v4.1: 219 of 1,614,004 alleles (0.014%); highest among the groups gnomAD compares: East Asian, 0.071%; 1 homozygote.

Submissions (4):

Labcorp Genetics (formerly Invitae), Labcorp
Classification: Benign. Last evaluated: 2025-07-08. Review status: criteria provided, single submitter. Criteria: Invitae Variant Classification Sherloc (09022015). Collection method: clinical testing. Allele origin: germline.

PreventionGenetics, part of Exact Sciences
Classification: Likely benign for CSF1R-related condition. Last evaluated: 2025-02-12. Review status: criteria provided, single submitter. Criteria: ACMG Guidelines, 2015. Collection method: clinical testing. Allele origin: germline.
Comment: This variant is classified as likely benign based on ACMG/AMP sequence variant interpretation guidelines (Richards et al. 2015 PMID: 25741868, with internal and published modifications).

CeGaT Center for Human Genetics Tuebingen
Classification: Likely benign. Last evaluated: 2023-05-01. Review status: criteria provided, single submitter. Criteria: CeGaT Center For Human Genetics Tuebingen Variant Classification Criteria Version 2. Collection method: clinical testing. Allele origin: germline. Affected: yes. Observed: 1 variant allele.
Comment: CSF1R: BP4, BP7

Blueprint Genetics
Classification: Likely benign. Last evaluated: 2022-12-07. Review status: criteria provided, single submitter. Criteria: ACMG Guidelines, 2015. Collection method: clinical testing. Allele origin: germline.

NM_001288705.3(CSF1R):c.942C>T (p.Thr314=)

Gene: CSF1R (colony stimulating factor 1 receptor; minus strand). Cytogenetic location: 5q32.
Variant type: single nucleotide variant.
Coding change: c.942C>T on transcript NM_001288705.3 (MANE Select); coding-DNA position 942, C replaced by T.
Protein change: p.Thr314=; no amino-acid change (threonine 314 retained).
Molecular consequence: synonymous variant. On other transcripts: non-coding transcript variant (2).
Genome position (GRCh38, 1-based): chr5:150,073,441, G>A on the plus strand (C>T on the coding strand, the complement: CSF1R is on the minus strand). VCF-style: chr5-150073441-G-A. GRCh37 (hg19) VCF-style: chr5-149453004-G-A.
Other names: c.942C>T, p.Thr314= (NM_001349736.2, NM_001375320.1, NM_005211.4); c.498C>T, p.Thr166= (NM_001375321.1); c.942C>T (NM_005211.3).
Identifiers: ClinVar variation 1613349 (VCV001613349.36), dbSNP rs569481741, ClinGen allele CA3506985.